The following is an entry in ClinVar:

ClinVar aggregate classification (germline): Conflicting classifications of pathogenicity. Review status: criteria provided, conflicting classifications (1 of 4 stars). 2 submissions from 2 submitters: Uncertain significance (1); Likely benign (1). Last evaluated 2025-11-25.

Conditions:
Hereditary cancer-predisposing syndrome. Also called: Hereditary neoplastic syndrome; Neoplastic Syndromes, Hereditary; Tumor predisposition; Hereditary Cancer Syndrome. Identifiers: Orphanet 140162, MedGen C0027672, MeSH D009386, MONDO:0015356.

Allele frequency attached by ClinVar (database versions not stated): gnomAD exomes below 0.00001.
gnomAD v4.1: 2 of 1,613,974 alleles (0.00012%); highest among the groups gnomAD compares: Non-Finnish European, 0.000085%; no homozygotes.

Submissions (2):

Ambry Genetics
Classification: Likely benign for Hereditary cancer-predisposing syndrome. Last evaluated: 2025-11-25. Review status: criteria provided, single submitter. Criteria: Ambry Variant Classification Scheme 2023. Collection method: clinical testing. Allele origin: germline.

Labcorp Genetics (formerly Invitae), Labcorp
Classification: Uncertain significance. Last evaluated: 2024-09-22. Review status: criteria provided, single submitter. Criteria: Invitae Variant Classification Sherloc (09022015). Collection method: clinical testing. Allele origin: germline.
Comment: This sequence change replaces valine, which is neutral and non-polar, with isoleucine, which is neutral and non-polar, at codon 1177 of the POLE protein (p.Val1177Ile). This variant is not present in population databases (gnomAD no frequency). This variant has not been reported in the literature in individuals affected with POLE-related conditions. ClinVar contains an entry for this variant (Variation ID: 938901). Invitae Evidence Modeling of protein sequence and biophysical properties (such as structural, functional, and spatial information, amino acid conservation, physicochemical variation, residue mobility, and thermodynamic stability) indicates that this missense variant is not expected to disrupt POLE protein function with a negative predictive value of 80%. In summary, the available evidence is currently insufficient to determine the role of this variant in disease. Therefore, it has been classified as a Variant of Uncertain Significance.

NM_006231.4(POLE):c.3529G>A (p.Val1177Ile)

Gene: POLE (DNA polymerase epsilon, catalytic subunit; minus strand). Cytogenetic location: 12q24.33.
Variant type: single nucleotide variant.
Coding change: c.3529G>A on transcript NM_006231.4 (MANE Select); coding-DNA position 3529, G replaced by A.
Protein change: p.Val1177Ile; replaces valine 1177 with isoleucine.
Molecular consequence: missense variant.
Genome position (GRCh38, 1-based): chr12:132,657,189, C>T on the plus strand (G>A on the coding strand, the complement: POLE is on the minus strand). VCF-style: chr12-132657189-C-T. GRCh37 (hg19) VCF-style: chr12-133233775-C-T.
Other names: c.3529G>A (NM_006231.2); short protein forms V1177I.
Identifiers: ClinVar variation 938901 (VCV000938901.10), dbSNP rs2042562353, ClinGen allele CA387388514.
Genomic context (GRCh38, chr12:132,657,189, plus strand): 5'-CCGTCACCTGTCTCCTGCCCTCCAGGGTGAAGAGCTCACTGATCTTCTTCTGCTTGTAGA[C>T]ATCATTCTTCTCCAGCAGTTTTTTGTGCAGCCAGTCGGGGTGTTTGACACGTGGCACTGG-3'
Protein context (NP_006222.2, residues 1167-1187): LHKKLLEKND[Val1177Ile]YKQKKISELF